The following is an entry in ClinVar:

NM_001142800.2(EYS):c.9224del (p.Asn3075fs)

Genes: EYS (EGF-like photoreceptor maintenance factor; minus strand), PHF3 (PHD finger protein 3; plus strand). Cytogenetic location: 6q12.
Variant type: Deletion.
Coding change: c.9224del on transcript NM_001142800.2 (MANE Select); coding-DNA position 9224, one base deleted (A; older notation c.9224delA).
Protein change: p.Asn3075fs; shifts the reading frame from asparagine 3075.
Molecular consequence: frameshift variant. On other transcripts: 3 prime UTR variant (5).
Genome position (GRCh38, 1-based): chr6:63,720,807, T deleted on the plus strand (A on the coding strand, the reverse complement: EYS is on the minus strand); the first of 5 consecutive T bases (chr6:63,720,807-63,720,811); deleting any one gives the same sequence. VCF-style (leftmost placement, unchanged base first): chr6-63720806-GT-G. GRCh37 (hg19) VCF-style: chr6-64430702-GT-G.
Other names: c.*7103del (NM_001290259.2, NM_001370348.2, NM_001370349.2 and 2 more transcripts); c.9287del, p.Asn3096fs (NM_001292009.2); short protein forms N3075fs, N3096fs.
Identifiers: ClinVar variation 947749 (VCV000947749.9), dbSNP rs1768349624, ClinGen allele CA1139659649.

ClinVar aggregate classification (germline): Pathogenic (1 of 4 stars; one submission).

Submission:

Labcorp Genetics (formerly Invitae), Labcorp
Classification: Pathogenic. Last evaluated: 2022-04-16. Review status: criteria provided, single submitter. Criteria: Invitae Variant Classification Sherloc (09022015). Collection method: clinical testing. Allele origin: germline.
Comment: This sequence change creates a premature translational stop signal (p.Asn3075Thrfs*5) in the EYS gene. While this is not anticipated to result in nonsense mediated decay, it is expected to disrupt the last 70 amino acid(s) of the EYS protein. This variant is not present in population databases (gnomAD no frequency). This variant has not been reported in the literature in individuals affected with EYS-related conditions. ClinVar contains an entry for this variant (Variation ID: 947749). This variant disrupts a region of the EYS protein in which other variant(s) (p.Tyr3135*) have been determined to be pathogenic (PMID: 18976725, 30337596). This suggests that this is a clinically significant region of the protein, and that variants that disrupt it are likely to be disease-causing. For these reasons, this variant has been classified as Pathogenic.

Literature cited by the submitters: PubMed 18976725; PubMed 30337596.